The following is an entry in ClinVar:

ClinVar aggregate classification (germline): Uncertain significance (1 of 4 stars; one submission).

Submission:

Ambry Genetics
Classification: Uncertain significance. Last evaluated: 2022-10-27. Review status: criteria provided, single submitter. Criteria: Ambry Variant Classification Scheme 2023. Collection method: clinical testing. Allele origin: germline.
Comment: The p.D254H variant (also known as c.760G>C), located in coding exon 3 of the ALPK2 gene, results from a G to C substitution at nucleotide position 760. The aspartic acid at codon 254 is replaced by histidine, an amino acid with similar properties. This amino acid position is conserved. In addition, this alteration is predicted to be tolerated by in silico analysis. Since supporting evidence is limited at this time, the clinical significance of this alteration remains unclear.

NM_052947.4(ALPK2):c.760G>C (p.Asp254His)

Genes: ALPK2 (alpha kinase 2; minus strand), LOC114803473 (ALPK2 eExon liver enhancer; plus strand). Cytogenetic location: 18q21.31.
Variant type: single nucleotide variant.
Coding change: c.760G>C on transcript NM_052947.4 (MANE Select); coding-DNA position 760, G replaced by C.
Protein change: p.Asp254His; replaces aspartic acid 254 with histidine.
Molecular consequence: missense variant.
Genome position (GRCh38, 1-based): chr18:58,580,016, C>G on the plus strand (G>C on the coding strand, the complement: ALPK2 is on the minus strand). VCF-style: chr18-58580016-C-G. GRCh37 (hg19) VCF-style: chr18-56247248-C-G.
Other names: short protein forms D254H.
Identifiers: ClinVar variation 1759788 (VCV001759788.2), dbSNP rs200376764, ClinGen allele CA402567270.